The following is an entry in ClinVar:

NM_000064.4(C3):c.754G>A (p.Glu252Lys)

Gene: C3 (complement C3; minus strand). Cytogenetic location: 19p13.3.
Variant type: single nucleotide variant.
Coding change: c.754G>A on transcript NM_000064.4 (MANE Select); coding-DNA position 754, G replaced by A.
Protein change: p.Glu252Lys; replaces glutamic acid 252 with lysine.
Molecular consequence: missense variant.
Genome position (GRCh38, 1-based): chr19:6,714,011, C>T on the plus strand (G>A on the coding strand, the complement: C3 is on the minus strand). VCF-style: chr19-6714011-C-T. GRCh37 (hg19) VCF-style: chr19-6714022-C-T.
Other names: short protein forms E252K.
Identifiers: ClinVar variation 4771530 (VCV004771530.1).

ClinVar aggregate classification (germline): Uncertain significance (1 of 4 stars; one submission).

gnomAD v4.1: 1 of 1,609,360 alleles (0.000062%); highest among the groups gnomAD compares: Non-Finnish European, 0.000085%; no homozygotes.

Submission:

Labcorp Genetics (formerly Invitae), Labcorp
Classification: Uncertain significance. Last evaluated: 2025-10-25. Review status: criteria provided, single submitter. Criteria: Invitae Variant Classification Sherloc (09022015). Collection method: clinical testing. Allele origin: germline.
Comment: This sequence change replaces glutamic acid, which is acidic and polar, with lysine, which is basic and polar, at codon 252 of the C3 protein (p.Glu252Lys). This variant is not present in population databases (gnomAD no frequency). This variant has not been reported in the literature in individuals affected with C3-related conditions. Invitae Evidence Modeling of protein sequence and biophysical properties (such as structural, functional, and spatial information, amino acid conservation, physicochemical variation, residue mobility, and thermodynamic stability) indicates that this missense variant is not expected to disrupt C3 protein function with a negative predictive value of 80%. In summary, the available evidence is currently insufficient to determine the role of this variant in disease. Therefore, it has been classified as a Variant of Uncertain Significance.